The following is an entry in ClinVar:

ClinVar aggregate classification (germline): Uncertain significance (1 of 4 stars; one submission).

Allele frequency attached by ClinVar (database versions not stated): gnomAD exomes below 0.00001 and 0.00001; ExAC 0.00002.

Submission:

Labcorp Genetics (formerly Invitae), Labcorp
Classification: Uncertain significance. Last evaluated: 2025-11-05. Review status: criteria provided, single submitter. Criteria: Invitae Variant Classification Sherloc (09022015). Collection method: clinical testing. Allele origin: germline.
Comment: This sequence change replaces glycine, which is neutral and non-polar, with valine, which is neutral and non-polar, at codon 1696 of the ALPK3 protein (p.Gly1696Val). This variant is present in population databases (rs746920220, gnomAD 0.002%). This variant has not been reported in the literature in individuals affected with ALPK3-related conditions. ClinVar contains an entry for this variant (Variation ID: 1481337). Invitae Evidence Modeling of protein sequence and biophysical properties (such as structural, functional, and spatial information, amino acid conservation, physicochemical variation, residue mobility, and thermodynamic stability) indicates that this missense variant is expected to disrupt ALPK3 protein function with a positive predictive value of 80%. In summary, the available evidence is currently insufficient to determine the role of this variant in disease. Therefore, it has been classified as a Variant of Uncertain Significance.

NM_020778.5(ALPK3):c.4481G>T (p.Gly1494Val)

Gene: ALPK3 (alpha kinase 3; plus strand). Cytogenetic location: 15q25.3.
Variant type: single nucleotide variant.
Coding change: c.4481G>T on transcript NM_020778.5 (MANE Select); coding-DNA position 4481, G replaced by T.
Protein change: p.Gly1494Val; replaces glycine 1494 with valine.
Molecular consequence: missense variant.
Genome position (GRCh38, 1-based): chr15:84,863,622, G>T. VCF-style: chr15-84863622-G-T. GRCh37 (hg19) VCF-style: chr15-85406853-G-T.
Other names: short protein forms G1494V.
Identifiers: ClinVar variation 1481337 (VCV001481337.6), dbSNP rs746920220, ClinGen allele CA7709983.